The following is an entry in ClinVar:

ClinVar aggregate classification (germline): Uncertain significance. Review status: criteria provided, single submitter (1 of 4 stars). 2 submissions from 2 submitters: Uncertain significance (1). 1 of the submissions does not count toward it. Last evaluated 2020-03-23.

Conditions:
Autosomal recessive polycystic kidney disease (ARPKD). Also called: AR polycystic kidney disease. Identifiers: Orphanet 731, Orphanet 8378, MedGen C0085548, MeSH D017044, MONDO:0009889.

Allele frequency attached by ClinVar (database versions not stated): ESP Exome Variant Server 0.00008.
gnomAD v4.1: 11 of 1,614,110 alleles (0.00068%); highest among the groups gnomAD compares: Non-Finnish European, 0.00093%; no homozygotes.

Submissions (2):

Women's Health and Genetics/Laboratory Corporation of America, LabCorp
Classification: Uncertain significance. Last evaluated: 2020-03-23. Review status: criteria provided, single submitter. Criteria: LabCorp Variant Classification Summary - May 2015. Collection method: clinical testing. Allele origin: germline.
Comment: Variant summary: PKHD1 c.1258G>C (p.Gly420Arg) results in a non-conservative amino acid change located in the PA14/GLEYA domain (IPR037524) of the encoded protein sequence. Five of five in-silico tools predict a damaging effect of the variant on protein function. The variant allele was found at a frequency of 8e-06 in 250464 control chromosomes (gnomAD). The available data on variant occurrences in the general population are insufficient to allow any conclusion about variant significance. To our knowledge, no occurrence of c.1258G>C in individuals affected with Polycystic Kidney and Hepatic Disease and no experimental evidence demonstrating its impact on protein function have been reported. No clinical diagnostic laboratories have submitted clinical-significance assessments for this variant to ClinVar after 2014. Based on the evidence outlined above, the variant was classified as uncertain significance.

Natera, Inc.
Classification: Uncertain significance for Autosomal recessive polycystic kidney disease. Last evaluated: 2020-11-13. Review status: no assertion criteria provided. Collection method: clinical testing. Allele origin: germline. Not counted in ClinVar's aggregate classification.

NM_138694.4(PKHD1):c.1258G>C (p.Gly420Arg)

Gene: PKHD1 (PKHD1 ciliary IPT domain containing fibrocystin/polyductin; minus strand). Cytogenetic location: 6p12.2.
Variant type: single nucleotide variant.
Coding change: c.1258G>C on transcript NM_138694.4 (MANE Select); coding-DNA position 1258, G replaced by C.
Protein change: p.Gly420Arg; replaces glycine 420 with arginine.
Molecular consequence: missense variant.
Genome position (GRCh38, 1-based): chr6:52,058,577, C>G on the plus strand (G>C on the coding strand, the complement: PKHD1 is on the minus strand). VCF-style: chr6-52058577-C-G. GRCh37 (hg19) VCF-style: chr6-51923375-C-G.
Other names: c.1258G>C, p.Gly420Arg (NM_170724.3); short protein forms G420R.
Identifiers: ClinVar variation 918127 (VCV000918127.2), dbSNP rs140458350, ClinGen allele CA3853595.
Genomic context (GRCh38, chr6:52,058,577, plus strand): 5'-TCTGCTGCCAGGTCCCTTCATCCCTATTCTGCTCCCAGGAGTCAAACCAGTCAGCAGTGC[C>G]GACGCTGATGGAGGCCACTTTCACCTATGCCCAAATAAGCATATCATGATCAATACTATG-3'
Protein context (NP_619639.3, residues 410-430): TKVKVASISV[Gly420Arg]TADWFDSWEQ